The following is an entry in ClinVar:

NM_000038.6(APC):c.1883C>T (p.Thr628Ile)

Gene: APC (APC regulator of Wnt signaling pathway; plus strand). Cytogenetic location: 5q22.2.
Variant type: single nucleotide variant.
Coding change: c.1883C>T on transcript NM_000038.6 (MANE Select); coding-DNA position 1883, C replaced by T.
Protein change: p.Thr628Ile; replaces threonine 628 with isoleucine.
Molecular consequence: missense variant.
Genome position (GRCh38, 1-based): chr5:112,835,090, C>T. VCF-style: chr5-112835090-C-T. GRCh37 (hg19) VCF-style: chr5-112170787-C-T.
Other names: c.1883C>T, p.Thr628Ile (NM_001127510.3, NM_001354895.2, NM_001407450.1); c.1829C>T, p.Thr610Ile (NM_001127511.3); c.1937C>T, p.Thr646Ile (NM_001354896.2, NM_001407447.1, NM_001407448.1 and 1 more transcripts); c.1913C>T, p.Thr638Ile (NM_001354897.2); c.1808C>T, p.Thr603Ile (NM_001354898.2); c.1799C>T, p.Thr600Ile (NM_001354899.2); c.1760C>T, p.Thr587Ile (NM_001354900.2); c.1706C>T, p.Thr569Ile (NM_001354901.2, NM_001407453.1); and 12 more; short protein forms T244I, T345I, T468I, T499I, T502I, T527I, T537I, T545I.
Identifiers: ClinVar variation 1714181 (VCV001714181.9), dbSNP rs760384475, ClinGen allele CA029849.

ClinVar aggregate classification (germline): Uncertain significance. Review status: criteria provided, multiple submitters, no conflicts (2 of 4 stars). 3 submissions from 3 submitters: Uncertain significance (3). Last evaluated 2026-07-07.

Conditions:
Hereditary cancer-predisposing syndrome. Also called: Tumor predisposition; Hereditary neoplastic syndrome; Neoplastic Syndromes, Hereditary; Hereditary Cancer Syndrome. Identifiers: Orphanet 140162, MedGen C0027672, MeSH D009386, MONDO:0015356.
Familial adenomatous polyposis 1 (FAP1). Also called: POLYPOSIS, ADENOMATOUS INTESTINAL; FAMILIAL ADENOMATOUS POLYPOSIS 1, ATTENUATED. Identifiers: MedGen C2713442, MONDO:0021056, OMIM 175100. Disease mechanism: loss of function.

Allele frequency attached by ClinVar (database versions not stated): gnomAD exomes below 0.00001; ExAC 0.00001.
gnomAD v4.1: 2 of 1,614,118 alleles (0.00012%); highest among the groups gnomAD compares: Admixed American, 0.0017%; no homozygotes.

Submissions (3):

Ambry Genetics
Classification: Uncertain significance for Hereditary cancer-predisposing syndrome. Last evaluated: 2026-07-07. Review status: criteria provided, single submitter. Criteria: Ambry Variant Classification Scheme 2023. Collection method: clinical testing. Allele origin: germline.
Comment: The p.T628I variant (also known as c.1883C>T), located in coding exon 14 of the APC gene, results from a C to T substitution at nucleotide position 1883. The threonine at codon 628 is replaced by isoleucine, an amino acid with similar properties. This amino acid position is conserved. In addition, in silico predictors for this gene do not accurately predict pathogenicity. Based on the available evidence, the clinical significance of this variant remains unclear.

Color Diagnostics, LLC DBA Color Health
Classification: Uncertain significance for Hereditary cancer-predisposing syndrome. Last evaluated: 2022-08-15. Review status: criteria provided, single submitter. Criteria: ACMG Guidelines, 2015. Collection method: clinical testing. Allele origin: germline.
Comment: This missense variant replaces threonine with isoleucine at codon 628 of the APC protein. Computational prediction is inconclusive regarding the impact of this variant on protein structure and function (internally defined REVEL score threshold 0.5 < inconclusive < 0.7, PMID: 27666373). To our knowledge, functional studies have not been reported for this variant. This variant has not been reported in individuals affected with hereditary cancer in the literature. This variant has been identified in 1/251364 chromosomes in the general population by the Genome Aggregation Database (gnomAD). The available evidence is insufficient to determine the role of this variant in disease conclusively. Therefore, this variant is classified as a Variant of Uncertain Significance.

Labcorp Genetics (formerly Invitae), Labcorp
Classification: Uncertain significance for Familial adenomatous polyposis 1. Last evaluated: 2022-07-29. Review status: criteria provided, single submitter. Criteria: Invitae Variant Classification Sherloc (09022015). Collection method: clinical testing. Allele origin: germline.
Comment: This sequence change replaces threonine, which is neutral and polar, with isoleucine, which is neutral and non-polar, at codon 628 of the APC protein (p.Thr628Ile). This variant is present in population databases (rs760384475, gnomAD 0.003%). This variant has not been reported in the literature in individuals affected with APC-related conditions. Algorithms developed to predict the effect of missense changes on protein structure and function are either unavailable or do not agree on the potential impact of this missense change (SIFT: "Deleterious"; PolyPhen-2: "Benign"; Align-GVGD: "Class C0"). In summary, the available evidence is currently insufficient to determine the role of this variant in disease. Therefore, it has been classified as a Variant of Uncertain Significance.